The following is an entry in ClinVar:

NM_000781.3(CYP11A1):c.366C>T (p.Leu122=)

Gene: CYP11A1 (cytochrome P450 family 11 subfamily A member 1; minus strand). Cytogenetic location: 15q24.1.
Variant type: single nucleotide variant.
Coding change: c.366C>T on transcript NM_000781.3 (MANE Select); coding-DNA position 366, C replaced by T.
Protein change: p.Leu122=; no amino-acid change (leucine 122 retained).
Molecular consequence: synonymous variant. On other transcripts: 5 prime UTR variant (1).
Genome position (GRCh38, 1-based): chr15:74,347,959, G>A on the plus strand (C>T on the coding strand, the complement: CYP11A1 is on the minus strand). VCF-style: chr15-74347959-G-A. GRCh37 (hg19) VCF-style: chr15-74640300-G-A.
Other names: c.-109C>T (NM_001099773.2).
Identifiers: ClinVar variation 317130 (VCV000317130.13), dbSNP rs530494910, ClinGen allele CA7656605.

ClinVar aggregate classification (germline): Benign/Likely benign. Review status: criteria provided, multiple submitters, no conflicts (2 of 4 stars). 3 submissions from 3 submitters: Benign (1); Likely benign (2). Last evaluated 2026-01-19.

Conditions:
Congenital adrenal insufficiency with 46, XY sex reversal OR 46,XY disorder of sex development-adrenal insufficiency due to CYP11A1 deficiency. Also called: P450scc DEFICIENCY; Congenital adrenal insuffiency with 46, XY sex reversal OR 46,XY disorder of sex development-adrenal insufficiency due to CYP11A1 deficiency. Identifiers: Orphanet 168558, MedGen C3151055, MONDO:0013400, OMIM 613743.

Allele frequency attached by ClinVar (database versions not stated): gnomAD exomes 0.00004 and 0.00033; gnomAD 0.00006 and 0.00007; TOPMed 0.00013; 1000 Genomes Project 30x 0.00031; ExAC 0.00031; 1000 Genomes Project 0.00040.
gnomAD v4.1: 77 of 1,614,226 alleles (0.0048%); highest among the groups gnomAD compares: East Asian, 0.14%; no homozygotes.

Submissions (3):

Labcorp Genetics (formerly Invitae), Labcorp
Classification: Benign. Last evaluated: 2026-01-19. Review status: criteria provided, single submitter. Criteria: Invitae Variant Classification Sherloc (09022015). Collection method: clinical testing. Allele origin: germline.

Fulgent Genetics
Classification: Likely benign for Congenital adrenal insufficiency with 46, XY sex reversal OR 46,XY disorder of sex development-adrenal insufficiency due to CYP11A1 deficiency. Last evaluated: 2021-09-25. Review status: criteria provided, single submitter. Criteria: ACMG Guidelines, 2015. Collection method: clinical testing. Allele origin: unknown.

Illumina Laboratory Services, Illumina
Classification: Likely benign for Congenital adrenal insufficiency with 46, XY sex reversal OR 46,XY disorder of sex development-adrenal insufficiency due to CYP11A1 deficiency. Last evaluated: 2018-01-13. Review status: criteria provided, single submitter. Criteria: ICSL Variant Classification Criteria 13 December 2019. Collection method: clinical testing. Allele origin: germline.
Comment: This variant was observed in the ICSL laboratory as part of a predisposition screen in an ostensibly healthy population. It had not been previously curated by ICSL or reported in the Human Gene Mutation Database (HGMD: prior to June 1st, 2018), and was therefore a candidate for classification through an automated scoring system. Utilizing variant allele frequency, disease prevalence and penetrance estimates, and inheritance mode, an automated score was calculated to assess if this variant is too frequent to cause the disease. Based on the score and internal cut-off values, a variant classified as likely benign is not then subjected to further curation. The score for this variant resulted in a classification of likely benign for this disease.